The following is an entry in ClinVar:

NM_001256715.2(DNAAF3):c.1100C>A (p.Ala367Asp)

Genes: DNAAF3 (dynein axonemal assembly factor 3; minus strand), DNAAF3-AS1 (DNAAF3 antisense RNA 1; plus strand). Cytogenetic location: 19q13.42.
Variant type: single nucleotide variant.
Coding change: c.1100C>A on transcript NM_001256715.2 (MANE Select); coding-DNA position 1100, C replaced by A.
Protein change: p.Ala367Asp; replaces alanine 367 with aspartic acid.
Molecular consequence: missense variant.
Genome position (GRCh38, 1-based): chr19:55,159,962, G>T on the plus strand (C>A on the coding strand, the complement: DNAAF3 is on the minus strand). VCF-style: chr19-55159962-G-T. GRCh37 (hg19) VCF-style: chr19-55671330-G-T.
Other names: c.1301C>A, p.Ala434Asp (NM_001256714.1); c.938C>A, p.Ala313Asp (NM_001256716.2); c.1241C>A, p.Ala414Asp (NM_178837.4); short protein forms A434D, A313D, A414D, A367D.
Identifiers: ClinVar variation 1769419 (VCV001769419.2), dbSNP rs768812237, ClinGen allele CA9667906.

ClinVar aggregate classification (germline): Uncertain significance (1 of 4 stars; one submission).

Conditions:
Primary ciliary dyskinesia. Also called: Ciliary dyskinesia. Identifiers: Orphanet 244, MedGen C0008780, MONDO:0016575, HP:0012265.

Allele frequency attached by ClinVar (database versions not stated): ExAC 0.00007.
gnomAD v4.1: 64 of 1,613,892 alleles (0.004%); highest among the groups gnomAD compares: Non-Finnish European, 0.0053%; no homozygotes.

Submission:

Ambry Genetics
Classification: Uncertain significance for Primary ciliary dyskinesia. Last evaluated: 2022-06-12. Review status: criteria provided, single submitter. Criteria: Ambry Variant Classification Scheme 2023. Collection method: clinical testing. Allele origin: germline.
Comment: The p.A434D variant (also known as c.1301C>A), located in coding exon 10 of the DNAAF3 gene, results from a C to A substitution at nucleotide position 1301. The alanine at codon 434 is replaced by aspartic acid, an amino acid with dissimilar properties. This amino acid position is conserved. In addition, this alteration is predicted to be tolerated by in silico analysis. Since supporting evidence is limited at this time, the clinical significance of this alteration remains unclear.